The following is an entry in ClinVar:

NM_015425.6(POLR1A):c.3357+11G>A

Gene: POLR1A (RNA polymerase I subunit A; minus strand). Cytogenetic location: 2p11.2.
Variant type: single nucleotide variant.
Coding change: c.3357+11G>A on transcript NM_015425.6 (MANE Select); 11 bases into the intron after coding-DNA position 3357, G replaced by A.
Molecular consequence: intron variant.
Genome position (GRCh38, 1-based): chr2:86,042,963, C>T on the plus strand (G>A on the coding strand, the complement: POLR1A is on the minus strand). VCF-style: chr2-86042963-C-T. GRCh37 (hg19) VCF-style: chr2-86270086-C-T.
Identifiers: ClinVar variation 2010164 (VCV002010164.4), dbSNP rs2466342563, ClinGen allele CA2580068259.

ClinVar aggregate classification (germline): Uncertain significance (1 of 4 stars; one submission).

Submission:

Labcorp Genetics (formerly Invitae), Labcorp
Classification: Uncertain significance. Last evaluated: 2022-06-24. Review status: criteria provided, single submitter. Criteria: Invitae Variant Classification Sherloc (09022015). Collection method: clinical testing. Allele origin: germline.
Comment: This sequence change falls in intron 23 of the POLR1A gene. It does not directly change the encoded amino acid sequence of the POLR1A protein. This variant is not present in population databases (gnomAD no frequency). This variant has not been reported in the literature in individuals affected with POLR1A-related conditions. Algorithms developed to predict the effect of sequence changes on RNA splicing suggest that this variant may create or strengthen a splice site. In summary, the available evidence is currently insufficient to determine the role of this variant in disease. Therefore, it has been classified as a Variant of Uncertain Significance.